The following is an entry in ClinVar:

NM_001017420.3(ESCO2):c.1080A>T (p.Lys360Asn)

Gene: ESCO2 (establishment of sister chromatid cohesion N-acetyltransferase 2; plus strand). Cytogenetic location: 8p21.1.
Variant type: single nucleotide variant.
Coding change: c.1080A>T on transcript NM_001017420.3 (MANE Select); coding-DNA position 1080, A replaced by T.
Protein change: p.Lys360Asn; replaces lysine 360 with asparagine.
Molecular consequence: missense variant.
Genome position (GRCh38, 1-based): chr8:27,787,951, A>T. VCF-style: chr8-27787951-A-T. GRCh37 (hg19) VCF-style: chr8-27645468-A-T.
Other names: short protein forms K360N.
Identifiers: ClinVar variation 1491973 (VCV001491973.5), dbSNP rs2128954830, ClinGen allele CA370823507.

ClinVar aggregate classification (germline): Uncertain significance (1 of 4 stars; one submission).

Allele frequency attached by ClinVar (database versions not stated): gnomAD exomes 0.00002.
gnomAD v4.1: 33 of 1,613,872 alleles (0.002%); highest among the groups gnomAD compares: Non-Finnish European, 0.0027%; no homozygotes.

Submission:

Labcorp Genetics (formerly Invitae), Labcorp
Classification: Uncertain significance. Last evaluated: 2021-09-24. Review status: criteria provided, single submitter. Criteria: Invitae Variant Classification Sherloc (09022015). Collection method: clinical testing. Allele origin: germline.
Comment: This sequence change replaces lysine with asparagine at codon 360 of the ESCO2 protein (p.Lys360Asn). The lysine residue is moderately conserved and there is a moderate physicochemical difference between lysine and asparagine. This variant is not present in population databases (ExAC no frequency). This variant has not been reported in the literature in individuals with ESCO2-related conditions. Algorithms developed to predict the effect of missense changes on protein structure and function are either unavailable or do not agree on the potential impact of this missense change (SIFT: "Tolerated"; PolyPhen-2: "Possibly Damaging"; Align-GVGD: "Class C0"). In summary, the available evidence is currently insufficient to determine the role of this variant in disease. Therefore, it has been classified as a Variant of Uncertain Significance.